The following is an entry in ClinVar:

NM_002907.4(RECQL):c.516G>C (p.Trp172Cys)

Gene: RECQL (RecQ like helicase; minus strand). Cytogenetic location: 12p12.1.
Variant type: single nucleotide variant.
Coding change: c.516G>C on transcript NM_002907.4 (MANE Select); coding-DNA position 516, G replaced by C.
Protein change: p.Trp172Cys; replaces tryptophan 172 with cysteine.
Molecular consequence: missense variant.
Genome position (GRCh38, 1-based): chr12:21,483,560, C>G on the plus strand (G>C on the coding strand, the complement: RECQL is on the minus strand). VCF-style: chr12-21483560-C-G. GRCh37 (hg19) VCF-style: chr12-21636494-C-G.
Other names: c.516G>C, p.Trp172Cys (NM_032941.3); short protein forms W172C.
Identifiers: ClinVar variation 1745792 (VCV001745792.2), dbSNP rs75602582, ClinGen allele CA384128024.

ClinVar aggregate classification (germline): Uncertain significance (1 of 4 stars; one submission).

Submission:

Ambry Genetics
Classification: Uncertain significance. Last evaluated: 2022-04-25. Review status: criteria provided, single submitter. Criteria: Ambry Variant Classification Scheme 2023. Collection method: clinical testing. Allele origin: germline.
Comment: The p.W172C variant (also known as c.516G>C), located in coding exon 5 of the RECQL gene, results from a G to C substitution at nucleotide position 516. The tryptophan at codon 172 is replaced by cysteine, an amino acid with highly dissimilar properties. This amino acid position is conserved. In addition, this alteration is predicted to be tolerated by in silico analysis. Since supporting evidence is limited at this time, the clinical significance of this alteration remains unclear.